The following is an entry in ClinVar:

ClinVar aggregate classification (germline): Conflicting classifications of pathogenicity. Review status: criteria provided, conflicting classifications (1 of 4 stars). 2 submissions from 2 submitters: Uncertain significance (1); Likely benign (1). Last evaluated 2018-04-25.

Conditions:
Hereditary cancer-predisposing syndrome. Also called: Hereditary neoplastic syndrome; Neoplastic Syndromes, Hereditary; Tumor predisposition; Hereditary Cancer Syndrome. Identifiers: Orphanet 140162, MedGen C0027672, MeSH D009386, MONDO:0015356.
Microcephaly, normal intelligence and immunodeficiency (NBS). Also called: IMMUNODEFICIENCY, MICROCEPHALY, AND CHROMOSOMAL INSTABILITY; SEEMANOVA SYNDROME II; Nijmegen breakage syndrome; Microcephaly with normal intelligence immunodeficiency and lymphoreticular malignancies; Nonsyndromal microcephaly autosomal recessive with normal intelligence; Seemanova syndrome 2. Identifiers: Orphanet 647, MedGen C0398791, MONDO:0009623, OMIM 251260.

Submissions (2):

Labcorp Genetics (formerly Invitae), Labcorp
Classification: Likely benign for Microcephaly, normal intelligence and immunodeficiency. Last evaluated: 2018-04-25. Review status: criteria provided, single submitter. Criteria: Invitae Variant Classification Sherloc (09022015). Collection method: clinical testing. Allele origin: germline.

Ambry Genetics
Classification: Uncertain significance for Hereditary cancer-predisposing syndrome. Last evaluated: 2016-07-08. Review status: criteria provided, single submitter. Criteria: Ambry Variant Classification Scheme 2023. Collection method: clinical testing. Allele origin: germline.
Comment: The c.1395A>G variant (also known as p.K465K), located in coding exon 10, results from an A to G substitution at nucleotide position 1395 of the NBN gene. This nucleotide substitution does not change the amino acid at codon 465. This variant was not reported in population based cohorts in the following databases: Database of Single Nucleotide Polymorphisms (dbSNP), NHLBI Exome Sequencing Project (ESP), and 1000 Genomes Project. In the ESP, this variant was not observed in 6503 samples (13006 alleles) with coverage at this position. To date, this alteration has been detected with an allele frequency of approximately 0.001% (greater than 175000 alleles tested) in our clinical cohort. Using the BDGP and ESEfinder splice site prediction tools, this alteration is predicted to weaken the efficiency of the native splice donor site; however, direct evidence is unavailable. This nucleotide position is well conserved in available vertebrate species. Since supporting evidence is limited at this time, the clinical significance of this alteration remains unclear.

NM_002485.5(NBN):c.1395A>G (p.Lys465=)

Gene: NBN (nibrin; minus strand). Cytogenetic location: 8q21.3.
Variant type: single nucleotide variant.
Coding change: c.1395A>G on transcript NM_002485.5 (MANE Select); coding-DNA position 1395, A replaced by G.
Protein change: p.Lys465=; no amino-acid change (lysine 465 retained).
Molecular consequence: synonymous variant.
Genome position (GRCh38, 1-based): chr8:89,955,285, T>C on the plus strand (A>G on the coding strand, the complement: NBN is on the minus strand). VCF-style: chr8-89955285-T-C. GRCh37 (hg19) VCF-style: chr8-90967513-T-C.
Other names: c.1149A>G, p.Lys383= (NM_001024688.3).
Identifiers: ClinVar variation 480041 (VCV000480041.15), dbSNP rs1213870507, ClinGen allele CA462114815.